The following is an entry in ClinVar:

NM_001114134.2(EPB42):c.1564C>A (p.Leu522Ile)

Gene: EPB42 (erythrocyte membrane protein band 4.2; minus strand). Cytogenetic location: 15q15.2.
Variant type: single nucleotide variant.
Coding change: c.1564C>A on transcript NM_001114134.2 (MANE Select); coding-DNA position 1564, C replaced by A.
Protein change: p.Leu522Ile; replaces leucine 522 with isoleucine.
Molecular consequence: missense variant.
Genome position (GRCh38, 1-based): chr15:43,206,384, G>T on the plus strand (C>A on the coding strand, the complement: EPB42 is on the minus strand). VCF-style: chr15-43206384-G-T. GRCh37 (hg19) VCF-style: chr15-43498582-G-T.
Other names: p.Leu552Ile; c.1654C>A, p.Leu552Ile (NM_000119.3); short protein forms L522I, L552I.
Identifiers: ClinVar variation 2683297 (VCV002683297.3), dbSNP rs145590461, ClinGen allele CA7520307.
Genomic context (GRCh38, chr15:43,206,384, plus strand): 5'-CATTACCCAGGTTGGCACTGAGCGTGAGGTGCAGCTTCTTCCTCCAGAGCTTGGCAGCAA[G>T]GACACCGTTGTAGTGTACAGCCTGGACCCCAATTGCCAGCTGCACTGCCTTCTCCTGCTC-3'
Protein context (NP_001107606.1, residues 512-532): GVQAVHYNGV[Leu522Ile]AAKLWRKKLH

ClinVar aggregate classification (germline): Uncertain significance. Review status: criteria provided, multiple submitters, no conflicts (2 of 4 stars). 2 submissions from 2 submitters: Uncertain significance (2). Last evaluated 2023-02-03.

Conditions:
Hereditary spherocytosis type 5. Also called: EPB42-Related Spherocytosis; EPB42-Related Hereditary Spherocytosis. Identifiers: Orphanet 822, MedGen C2675192, MONDO:0012985, OMIM 612690.

Allele frequency attached by ClinVar (database versions not stated): ExAC 0.00001; gnomAD exomes 0.00003; TOPMed 0.00003; gnomAD 0.00005; ESP Exome Variant Server 0.00008.

Submissions (2):

Revvity Omics, Revvity
Classification: Uncertain significance for Hereditary spherocytosis type 5. Last evaluated: 2023-02-03. Review status: criteria provided, single submitter. Criteria: ACMG Guidelines, 2015. Collection method: clinical testing. Allele origin: germline.

Mayo Clinic Laboratories, Mayo Clinic
Classification: Uncertain significance. Last evaluated: 2022-09-30. Review status: criteria provided, single submitter. Criteria: ACMG Guidelines, 2015. Collection method: clinical testing. Allele origin: germline. Observed: 1 variant allele.
Comment: BP4, PM2